The following is an entry in ClinVar:

ClinVar aggregate classification (germline): Uncertain significance (1 of 4 stars; one submission).

gnomAD v4.1: 7 of 1,429,506 alleles (0.00049%); highest among the groups gnomAD compares: African/African-American, 0.0072%; no homozygotes.

Submission:

GeneDx
Classification: Uncertain significance. Last evaluated: 2025-06-05. Review status: criteria provided, single submitter. Criteria: GeneDx Variant Classification Process June 2021. Collection method: clinical testing. Allele origin: germline. Affected: yes.
Comment: In silico analysis supports that this missense variant has a deleterious effect on protein structure/function; Has not been previously published as pathogenic or benign to our knowledge; No data available from control populations to assess the frequency of this variant; Reported using an alternate transcript of the gene

NM_001161352.2(KCNMA1):c.378+422C>T

Gene: KCNMA1 (potassium calcium-activated channel subfamily M alpha 1; minus strand). Cytogenetic location: 10q22.3.
Variant type: single nucleotide variant.
Coding change: c.378+422C>T on transcript NM_001161352.2 (MANE Select); 422 bases into the intron after coding-DNA position 378, C replaced by T.
Molecular consequence: intron variant. On other transcripts: missense variant (1).
Genome position (GRCh38, 1-based): chr10:77,636,843, G>A on the plus strand (C>T on the coding strand, the complement: KCNMA1 is on the minus strand). VCF-style: chr10-77636843-G-A. GRCh37 (hg19) VCF-style: chr10-79396601-G-A.
Other names: c.542C>T, p.Ala181Val (NM_001271520.2); c.378+422C>T (NM_001271518.2, NM_001322832.2, NM_001410940.1 and 11 more transcripts); c.379-328C>T (NM_001271522.2); c.379-274C>T (NM_001271521.2); c.491+51C>T (NM_001322839.2); short protein forms A181V.
Identifiers: ClinVar variation 4536279 (VCV004536279.1).